The following is an entry in ClinVar:

ClinVar aggregate classification (germline): Uncertain significance (1 of 4 stars; one submission).

Allele frequency attached by ClinVar (database versions not stated): ExAC 0.00001; gnomAD exomes 0.00001.
gnomAD v4.1: 8 of 1,613,640 alleles (0.0005%); highest among the groups gnomAD compares: South Asian, 0.0033%; no homozygotes.

Submission:

Ambry Genetics
Classification: Uncertain significance. Last evaluated: 2023-10-22. Review status: criteria provided, single submitter. Criteria: Ambry Variant Classification Scheme 2023. Collection method: clinical testing. Allele origin: germline.
Comment: The p.M953T variant (also known as c.2858T>C), located in coding exon 23 of the BUB1 gene, results from a T to C substitution at nucleotide position 2858. The methionine at codon 953 is replaced by threonine, an amino acid with similar properties. This amino acid position is conserved. In addition, the in silico prediction for this alteration is inconclusive. Since supporting evidence is limited at this time, the clinical significance of this alteration remains unclear.

NM_004336.5(BUB1):c.2858T>C (p.Met953Thr)

Gene: BUB1 (BUB1 mitotic checkpoint serine/threonine kinase; minus strand). Cytogenetic location: 2q13.
Variant type: single nucleotide variant.
Coding change: c.2858T>C on transcript NM_004336.5 (MANE Select); coding-DNA position 2858, T replaced by C.
Protein change: p.Met953Thr; replaces methionine 953 with threonine.
Molecular consequence: missense variant.
Genome position (GRCh38, 1-based): chr2:110,641,131, A>G on the plus strand (T>C on the coding strand, the complement: BUB1 is on the minus strand). VCF-style: chr2-110641131-A-G. GRCh37 (hg19) VCF-style: chr2-111398708-A-G.
Other names: c.2798T>C, p.Met933Thr (NM_001278616.2); c.2687T>C, p.Met896Thr (NM_001278617.2); short protein forms M896T, M933T, M953T.
Identifiers: ClinVar variation 1796907 (VCV001796907.2), dbSNP rs770951499, ClinGen allele CA1827707.